The following is an entry in ClinVar:

ClinVar aggregate classification (germline): Uncertain significance. Review status: criteria provided, multiple submitters, no conflicts (2 of 4 stars). 3 submissions from 3 submitters: Uncertain significance (3). Last evaluated 2024-06-17.

Conditions:
Fraser syndrome 1 (FRASRS1). Also called: CRYPTOPHTHALMOS WITH OTHER MALFORMATIONS. Identifiers: Orphanet 2052, MedGen C4551480, MONDO:0054737, OMIM 219000.

Allele frequency attached by ClinVar (database versions not stated): gnomAD exomes below 0.00001; TOPMed below 0.00001; gnomAD 0.00001.
gnomAD v4.1: 2 of 1,613,390 alleles (0.00012%); highest among the groups gnomAD compares: African/African-American, 0.0013%; no homozygotes.

Submissions (3):

Fulgent Genetics
Classification: Uncertain significance for Fraser syndrome 1. Last evaluated: 2024-06-17. Review status: criteria provided, single submitter. Criteria: ACMG Guidelines, 2015. Collection method: clinical testing. Allele origin: germline.

Labcorp Genetics (formerly Invitae), Labcorp
Classification: Uncertain significance. Last evaluated: 2021-06-02. Review status: criteria provided, single submitter. Criteria: Invitae Variant Classification Sherloc (09022015). Collection method: clinical testing. Allele origin: germline.
Comment: Algorithms developed to predict the effect of missense changes on protein structure and function (SIFT, PolyPhen-2, Align-GVGD) all suggest that this variant is likely to be tolerated, but these predictions have not been confirmed by published functional studies and their clinical significance is uncertain. In summary, the available evidence is currently insufficient to determine the role of this variant in disease. Therefore, it has been classified as a Variant of Uncertain Significance. This variant has not been reported in the literature in individuals with FRAS1-related conditions. This variant is not present in population databases (ExAC no frequency). This sequence change replaces proline with leucine at codon 1834 of the FRAS1 protein (p.Pro1834Leu). The proline residue is moderately conserved and there is a moderate physicochemical difference between proline and leucine.

Breakthrough Genomics
Classification: Uncertain significance. Review status: criteria provided, single submitter. Criteria: ACMG Guidelines, 2015. Collection method: not provided. Allele origin: germline. Inheritance: Autosomal recessive inheritance. Affected: yes.

NM_025074.7(FRAS1):c.5501C>T (p.Pro1834Leu)

Gene: FRAS1 (Fraser extracellular matrix complex subunit 1; plus strand). Cytogenetic location: 4q21.21.
Variant type: single nucleotide variant.
Coding change: c.5501C>T on transcript NM_025074.7 (MANE Select); coding-DNA position 5501, C replaced by T.
Protein change: p.Pro1834Leu; replaces proline 1834 with leucine.
Molecular consequence: missense variant.
Genome position (GRCh38, 1-based): chr4:78,439,036, C>T. VCF-style: chr4-78439036-C-T. GRCh37 (hg19) VCF-style: chr4-79360190-C-T.
Other names: c.5501C>T, p.Pro1834Leu (NM_001166133.2); short protein forms P1834L.
Identifiers: ClinVar variation 1372478 (VCV001372478.10), dbSNP rs952204658, ClinGen allele CA99967950.